The following is an entry in ClinVar:

ClinVar aggregate classification (germline): Uncertain significance. Review status: criteria provided, multiple submitters, no conflicts (2 of 4 stars). 2 submissions from 2 submitters: Uncertain significance (2). Last evaluated 2025-08-30.

Conditions:
Inborn genetic diseases. Identifiers: MedGen C0950123, MeSH D030342.

Allele frequency attached by ClinVar (database versions not stated): gnomAD 0.00001; gnomAD exomes 0.00001; TOPMed 0.00001.
gnomAD v4.1: 17 of 1,614,032 alleles (0.0011%); highest among the groups gnomAD compares: South Asian, 0.0044%; no homozygotes.

Submissions (2):

Ambry Genetics
Classification: Uncertain significance for Inborn genetic diseases. Last evaluated: 2025-08-30. Review status: criteria provided, single submitter. Criteria: Ambry Variant Classification Scheme 2023. Collection method: clinical testing. Allele origin: germline.

Labcorp Genetics (formerly Invitae), Labcorp
Classification: Uncertain significance. Last evaluated: 2022-03-09. Review status: criteria provided, single submitter. Criteria: Invitae Variant Classification Sherloc (09022015). Collection method: clinical testing. Allele origin: germline.
Comment: This sequence change replaces isoleucine, which is neutral and non-polar, with valine, which is neutral and non-polar, at codon 283 of the PLK4 protein (p.Ile283Val). This variant is present in population databases (no rsID available, gnomAD 0.008%). This variant has not been reported in the literature in individuals affected with PLK4-related conditions. Algorithms developed to predict the effect of missense changes on protein structure and function (SIFT, PolyPhen-2, Align-GVGD) all suggest that this variant is likely to be tolerated. In summary, the available evidence is currently insufficient to determine the role of this variant in disease. Therefore, it has been classified as a Variant of Uncertain Significance.

NM_014264.5(PLK4):c.847A>G (p.Ile283Val)

Gene: PLK4 (polo like kinase 4; plus strand). Cytogenetic location: 4q28.1.
Variant type: single nucleotide variant.
Coding change: c.847A>G on transcript NM_014264.5 (MANE Select); coding-DNA position 847, A replaced by G.
Protein change: p.Ile283Val; replaces isoleucine 283 with valine.
Molecular consequence: missense variant.
Genome position (GRCh38, 1-based): chr4:127,886,217, A>G. VCF-style: chr4-127886217-A-G. GRCh37 (hg19) VCF-style: chr4-128807372-A-G.
Other names: c.847A>G (NM_014264.4); c.751A>G, p.Ile251Val (NM_001190799.2); c.724A>G, p.Ile242Val (NM_001190801.2); short protein forms I242V, I251V, I283V.
Identifiers: ClinVar variation 1410771 (VCV001410771.5), dbSNP rs1357878191, ClinGen allele CA358150915.